The following is an entry in ClinVar:

NM_024537.4(CARS2):c.920-419T>A

Gene: CARS2 (cysteinyl-tRNA synthetase 2, mitochondrial; minus strand). Cytogenetic location: 13q34.
Variant type: single nucleotide variant.
Coding change: c.920-419T>A on transcript NM_024537.4 (MANE Select); 419 bases into the intron before coding-DNA position 920, T replaced by A.
Molecular consequence: intron variant. On other transcripts: synonymous variant (1).
Genome position (GRCh38, 1-based): chr13:110,663,937, A>T on the plus strand (T>A on the coding strand, the complement: CARS2 is on the minus strand). VCF-style: chr13-110663937-A-T. GRCh37 (hg19) VCF-style: chr13-111316284-A-T.
Other names: c.1029T>A, p.Gly343= (NM_001352253.3); c.134-419T>A (NM_001352252.2).
Identifiers: ClinVar variation 3352639 (VCV003352639.1).
Genomic context (GRCh38, chr13:110,663,937, plus strand): 5'-TCTGAAGAAACGACAAAGCTCTCATTTGACAAATCAGGCACTTGGCGGTGAAGCTTGTTG[A>T]CCGTTGTCCAAAAACAGAGTGGCACTTGTGGGTCTCTGAGTGGGAAGAATCAGAGGTCCT-3'

ClinVar aggregate classification (germline): Likely benign (0 of 4 stars; one submission).

Conditions:
CARS2-related disorder. Also called: CARS2-related condition.

gnomAD v4.1: 6,113 of 995,074 alleles (0.61%); highest among the groups gnomAD compares: Non-Finnish European, 0.69%; 24 homozygotes.

Submission:

PreventionGenetics, part of Exact Sciences
Classification: Likely benign for CARS2-related condition. Last evaluated: 2024-06-08. Review status: no assertion criteria provided. Collection method: clinical testing. Allele origin: germline.
Comment: This variant is classified as likely benign based on ACMG/AMP sequence variant interpretation guidelines (Richards et al. 2015 PMID: 25741868, with internal and published modifications).